The following is an entry in ClinVar:

NM_032634.4(PIGO):c.1919G>A (p.Arg640His)

Gene: PIGO (phosphatidylinositol glycan anchor biosynthesis class O; minus strand). Cytogenetic location: 9p13.3.
Variant type: single nucleotide variant.
Coding change: c.1919G>A on transcript NM_032634.4 (MANE Select); coding-DNA position 1919, G replaced by A.
Protein change: p.Arg640His; replaces arginine 640 with histidine.
Molecular consequence: missense variant. On other transcripts: intron variant (2).
Genome position (GRCh38, 1-based): chr9:35,091,968, C>T on the plus strand (G>A on the coding strand, the complement: PIGO is on the minus strand). VCF-style: chr9-35091968-C-T. GRCh37 (hg19) VCF-style: chr9-35091965-C-T.
Other names: c.1344+575G>A (NM_152850.4, NM_001201484.2); short protein forms R640H.
Identifiers: ClinVar variation 546540 (VCV000546540.8), dbSNP rs918368312, ClinGen allele CA192711002.

ClinVar aggregate classification (germline): Uncertain significance. Review status: criteria provided, multiple submitters, no conflicts (2 of 4 stars). 2 submissions from 2 submitters: Uncertain significance (2). Last evaluated 2022-07-04.

Conditions:
Hyperphosphatasia with impaired intellectual development syndrome 2. Also called: Hyperphosphatasia with intellectual disability syndrome 2; GLYCOSYLPHOSPHATIDYLINOSITOL BIOSYNTHESIS DEFECT 6. Identifiers: Orphanet 247262, MedGen C3553637, MONDO:0013882, OMIM 614749.

Allele frequency attached by ClinVar (database versions not stated): gnomAD exomes below 0.00001; TOPMed 0.00001.
gnomAD v4.1: 20 of 1,614,190 alleles (0.0012%); highest among the groups gnomAD compares: Non-Finnish European, 0.0017%; no homozygotes.

Submissions (2):

Labcorp Genetics (formerly Invitae), Labcorp
Classification: Uncertain significance for Hyperphosphatasia with impaired intellectual development syndrome 2. Last evaluated: 2022-07-04. Review status: criteria provided, single submitter. Criteria: Invitae Variant Classification Sherloc (09022015). Collection method: clinical testing. Allele origin: germline.
Comment: This sequence change replaces arginine, which is basic and polar, with histidine, which is basic and polar, at codon 640 of the PIGO protein (p.Arg640His). This variant is present in population databases (no rsID available, gnomAD 0.0009%). This variant has not been reported in the literature in individuals affected with PIGO-related conditions. ClinVar contains an entry for this variant (Variation ID: 546540). Algorithms developed to predict the effect of missense changes on protein structure and function are either unavailable or do not agree on the potential impact of this missense change (SIFT: "Tolerated"; PolyPhen-2: "Possibly Damaging"; Align-GVGD: "Class C0"). In summary, the available evidence is currently insufficient to determine the role of this variant in disease. Therefore, it has been classified as a Variant of Uncertain Significance.

GeneDx
Classification: Uncertain significance. Last evaluated: 2018-05-25. Review status: criteria provided, single submitter. Criteria: GeneDx Variant Classification (06012015). Collection method: clinical testing. Allele origin: germline. Affected: yes.
Comment: A variant of uncertain significance has been identified in the PIGO gene. The R640H variant has not been published as a pathogenic variant, nor has it been reported as a benign variant to our knowledge. The R640H variant is not observed at a significant frequency in large population cohorts (Lek et al., 2016). However, the R640H variant is a conservative amino acid substitution, which is not likely to impact secondary protein structure as these residues share similar properties. In-silico analyses, including protein predictors and evolutionary conservation, support that this variant does not alter protein structure/function. Therefore, based on the currently available information, it is unclear whether this variant is a pathogenic variant or a rare benign variant.